The following is an entry in ClinVar:

ClinVar aggregate classification (germline): Uncertain significance (1 of 4 stars; one submission).

Submission:

GeneDx
Classification: Uncertain significance. Last evaluated: 2024-07-03. Review status: criteria provided, single submitter. Criteria: GeneDx Variant Classification Process June 2021. Collection method: clinical testing. Allele origin: germline. Affected: yes.
Comment: Not observed at significant frequency in large population cohorts (gnomAD); In silico analysis supports that this missense variant has a deleterious effect on protein structure/function; Has not been previously published as pathogenic or benign to our knowledge

NM_001961.4(EEF2):c.437C>G (p.Ala146Gly)

Gene: EEF2 (eukaryotic translation elongation factor 2; minus strand). Cytogenetic location: 19p13.3.
Variant type: single nucleotide variant.
Coding change: c.437C>G on transcript NM_001961.4 (MANE Select); coding-DNA position 437, C replaced by G.
Protein change: p.Ala146Gly; replaces alanine 146 with glycine.
Molecular consequence: missense variant.
Genome position (GRCh38, 1-based): chr19:3,982,982, G>C on the plus strand (C>G on the coding strand, the complement: EEF2 is on the minus strand). VCF-style: chr19-3982982-G-C. GRCh37 (hg19) VCF-style: chr19-3982980-G-C.
Other names: short protein forms A146G.
Identifiers: ClinVar variation 3393575 (VCV003393575.1).